The following is an entry in ClinVar:

ClinVar aggregate classification (germline): Uncertain significance (1 of 4 stars; one submission).

Conditions:
Hereditary sensory and autonomic neuropathy type 7. Also called: Neuropathy, hereditary sensory and autonomic, type VII; HSAN VII. Identifiers: Orphanet 391397, MedGen C3809882, MONDO:0014244, OMIM 615548.
Familial episodic pain syndrome with predominantly lower limb involvement. Also called: Episodic pain syndrome, familial, 3. Identifiers: Orphanet 391384, Orphanet 391392, MedGen C3809899, MONDO:0014247, OMIM 615552.

Submission:

Labcorp Genetics (formerly Invitae), Labcorp
Classification: Uncertain significance for Familial episodic pain syndrome with predominantly lower limb involvement; Hereditary sensory and autonomic neuropathy type 7. Last evaluated: 2021-08-02. Review status: criteria provided, single submitter. Criteria: Invitae Variant Classification Sherloc (09022015). Collection method: clinical testing. Allele origin: germline.
Comment: In summary, the available evidence is currently insufficient to determine the role of this variant in disease. Therefore, it has been classified as a Variant of Uncertain Significance. This variant has not been reported in the literature in individuals affected with SCN11A-related conditions. This variant is not present in population databases (ExAC no frequency). This sequence change creates a premature translational stop signal (p.Leu364Phefs*28) in the SCN11A gene. It is expected to result in an absent or disrupted protein product. However, the current clinical and genetic evidence is not sufficient to establish whether loss-of-function variants in SCN11A cause disease.

NM_001349253.2(SCN11A):c.1090del (p.Leu364fs)

Gene: SCN11A (sodium voltage-gated channel alpha subunit 11; minus strand). Cytogenetic location: 3p22.2.
Variant type: Deletion.
Coding change: c.1090del on transcript NM_001349253.2 (MANE Select); coding-DNA position 1090, one base deleted (C; older notation c.1090delC).
Protein change: p.Leu364fs; shifts the reading frame from leucine 364.
Molecular consequence: frameshift variant.
Genome position (GRCh38, 1-based): chr3:38,910,077, G deleted on the plus strand (C on the coding strand, the reverse complement: SCN11A is on the minus strand). VCF-style (leftmost placement, unchanged base first): chr3-38910076-AG-A. GRCh37 (hg19) VCF-style: chr3-38951567-AG-A.
Other names: c.1090del, p.Leu364fs (NM_014139.3); short protein forms L364fs.
Identifiers: ClinVar variation 1509546 (VCV001509546.6), dbSNP rs2125538113, ClinGen allele CA2573136926.